The following is an entry in ClinVar:

ClinVar aggregate classification (germline): Pathogenic. Review status: criteria provided, multiple submitters, no conflicts (2 of 4 stars). 2 submissions from 2 submitters: Pathogenic (2). Last evaluated 2023-11-29.

Conditions:
Ataxia-telangiectasia syndrome (AT). Also called: AT, COMPLEMENTATION GROUP C; Ataxia telangiectasia (A-T); Cerebello-oculocutaneous telangiectasia; Immunodeficiency with ataxia telangiectasia; LOUIS-BAR SYNDROME; ATAXIA-TELANGIECTASIA, COMPLEMENTATION GROUP A. Identifiers: Orphanet 100, MedGen C0004135, MONDO:0008840, OMIM 208900.
Hereditary cancer-predisposing syndrome. Also called: Tumor predisposition; Hereditary neoplastic syndrome; Neoplastic Syndromes, Hereditary; Hereditary Cancer Syndrome. Identifiers: Orphanet 140162, MedGen C0027672, MeSH D009386, MONDO:0015356.

Submissions (2):

Ambry Genetics
Classification: Pathogenic for Hereditary cancer-predisposing syndrome. Last evaluated: 2023-11-29. Review status: criteria provided, single submitter. Criteria: Ambry Variant Classification Scheme 2023. Collection method: clinical testing. Allele origin: germline.
Comment: The p.E650* pathogenic mutation (also known as c.1948G>T), located in coding exon 12 of the ATM gene, results from a G to T substitution at nucleotide position 1948. This changes the amino acid from a glutamic acid to a stop codon within coding exon 12. This variant is considered to be rare based on population cohorts in the Genome Aggregation Database (gnomAD). This alteration is expected to result in loss of function by premature protein truncation or nonsense-mediated mRNA decay. As such, this alteration is interpreted as a disease-causing mutation.

Labcorp Genetics (formerly Invitae), Labcorp
Classification: Pathogenic for Ataxia-telangiectasia syndrome. Last evaluated: 2023-11-02. Review status: criteria provided, single submitter. Criteria: Invitae Variant Classification Sherloc (09022015). Collection method: clinical testing. Allele origin: germline.
Comment: This sequence change creates a premature translational stop signal (p.Glu650*) in the ATM gene. It is expected to result in an absent or disrupted protein product. Loss-of-function variants in ATM are known to be pathogenic (PMID: 23807571, 25614872). This variant is not present in population databases (gnomAD no frequency). This variant has not been reported in the literature in individuals affected with ATM-related conditions. Algorithms developed to predict the effect of sequence changes on RNA splicing suggest that this variant may disrupt the consensus splice site. For these reasons, this variant has been classified as Pathogenic.

Literature cited by the submitters: PubMed 23807571 (cited by Labcorp Genetics (formerly Invitae), Labcorp); PubMed 25614872 (cited by Labcorp Genetics (formerly Invitae), Labcorp).

NM_000051.4(ATM):c.1948G>T (p.Glu650Ter)

Gene: ATM (ATM serine/threonine kinase; plus strand). Cytogenetic location: 11q22.3.
Variant type: single nucleotide variant.
Coding change: c.1948G>T on transcript NM_000051.4 (MANE Select); coding-DNA position 1948, G replaced by T.
Protein change: p.Glu650Ter; replaces glutamic acid 650 with a stop codon.
Molecular consequence: nonsense.
Genome position (GRCh38, 1-based): chr11:108,253,863, G>T. VCF-style: chr11-108253863-G-T. GRCh37 (hg19) VCF-style: chr11-108124590-G-T.
Other names: c.1948G>T, p.Glu650Ter (NM_001351834.2); short protein forms E650*.
Identifiers: ClinVar variation 2692805 (VCV002692805.4), dbSNP rs2135367169, ClinGen allele CA382536673.
Genomic context (GRCh38, chr11:108,253,863, plus strand): 5'-CTTTCTTGAAGTGAACACCACCAAAAAGATAAAGAAGAACTTTCATTCTCAGAAGTAGAA[G>T]AACTATTTCTTCAGACAACTTTTGACAAGATGGACTTTTTAACCATTGTGAGAGAATGTG-3'